The following is an entry in ClinVar:

NM_001148.6(ANK2):c.552G>T (p.Glu184Asp)

Gene: ANK2 (ankyrin 2; plus strand). Cytogenetic location: 4q26.
Variant type: single nucleotide variant.
Coding change: c.552G>T on transcript NM_001148.6 (MANE Select); coding-DNA position 552, G replaced by T.
Protein change: p.Glu184Asp; replaces glutamic acid 184 with aspartic acid.
Molecular consequence: missense variant.
Genome position (GRCh38, 1-based): chr4:113,237,055, G>T. VCF-style: chr4-113237055-G-T. GRCh37 (hg19) VCF-style: chr4-114158211-G-T.
Other names: c.489G>T, p.Glu163Asp (NM_001386161.1, NM_001386162.1, NM_001127493.3 and 33 more transcripts); c.603G>T, p.Glu201Asp (NM_001386174.1, NM_001386175.1); c.540G>T, p.Glu180Asp (NM_001386186.2, NM_001386187.2, NM_001354269.3 and 1 more transcripts); c.552G>T, p.Glu184Asp (NM_020977.5, NM_001354225.2, NM_001354228.2 and 9 more transcripts); c.597G>T, p.Glu199Asp (NM_001354230.2, NM_001354231.2, NM_001354237.2 and 5 more transcripts); c.534G>T, p.Glu178Asp (NM_001354261.2, NM_001386147.1, NM_001386160.1); short protein forms E180D, E178D, E184D, E201D, E163D, E199D.
Identifiers: ClinVar variation 1982476 (VCV001982476.4), dbSNP rs1361041187, ClinGen allele CA357916337.

ClinVar aggregate classification (germline): Uncertain significance (1 of 4 stars; one submission).

Conditions:
Long QT syndrome (LQTS). Identifiers: MedGen C0023976, MeSH D008133, MONDO:0002442. Disease mechanism: loss of function. Inheritance: Various modes of inheritance.

Allele frequency attached by ClinVar (database versions not stated): gnomAD 0.00001; gnomAD exomes 0.00001; TOPMed 0.00001.
gnomAD v4.1: 7 of 1,614,062 alleles (0.00043%); highest among the groups gnomAD compares: Non-Finnish European, 0.00059%; no homozygotes.

Submission:

Labcorp Genetics (formerly Invitae), Labcorp
Classification: Uncertain significance for Long QT syndrome. Last evaluated: 2024-08-20. Review status: criteria provided, single submitter. Criteria: Invitae Variant Classification Sherloc (09022015). Collection method: clinical testing. Allele origin: germline.
Comment: This sequence change replaces glutamic acid, which is acidic and polar, with aspartic acid, which is acidic and polar, at codon 184 of the ANK2 protein (p.Glu184Asp). This variant is not present in population databases (gnomAD no frequency). This variant has not been reported in the literature in individuals affected with ANK2-related conditions. ClinVar contains an entry for this variant (Variation ID: 1982476). Invitae Evidence Modeling of protein sequence and biophysical properties (such as structural, functional, and spatial information, amino acid conservation, physicochemical variation, residue mobility, and thermodynamic stability) has been performed for this missense variant. However, the output from this modeling did not meet the statistical confidence thresholds required to predict the impact of this variant on ANK2 protein function. In summary, the available evidence is currently insufficient to determine the role of this variant in disease. Therefore, it has been classified as a Variant of Uncertain Significance.